The following is an entry in ClinVar:

NM_004284.6(CHD1L):c.1647G>A (p.Gln549=)

Gene: CHD1L (chromodomain helicase DNA binding protein 1 like; plus strand). Cytogenetic location: 1q21.1.
Variant type: single nucleotide variant.
Coding change: c.1647G>A on transcript NM_004284.6 (MANE Select); coding-DNA position 1647, G replaced by A.
Protein change: p.Gln549=; no amino-acid change (glutamine 549 retained).
Molecular consequence: synonymous variant. On other transcripts: non-coding transcript variant (15).
Genome position (GRCh38, 1-based): chr1:147,280,133, G>A. VCF-style: chr1-147280133-G-A. GRCh37 (hg19) VCF-style: chr1-146751806-G-A.
Other names: c.1347G>A, p.Gln449= (NM_001256336.3); c.804G>A, p.Gln268= (NM_001256337.3, NM_001348456.2, NM_001348457.2 and 9 more transcripts); c.1035G>A, p.Gln345= (NM_001256338.3); c.1431G>A, p.Gln477= (NM_001348451.2, NM_001348452.2); c.1308G>A, p.Gln436= (NM_001348453.2, NM_024568.4); c.1191G>A, p.Gln397= (NM_001348454.2); c.1158G>A, p.Gln386= (NM_001348455.2).
Identifiers: ClinVar variation 3051539 (VCV003051539.2), dbSNP rs374644093, ClinGen allele CA1063766.
Genomic context (GRCh38, chr1:147,280,133, plus strand): 5'-GGGGAGCACCATGGATGAAATAGACCTGGAGTCCATCCTGGGAGAAACAAAAGATGGCCA[G>A]TGGGTCTCTGATGCCTTGCCTGCAGCAGAAGGAGGGAGCAGAGATCAAGAGGAAGGAAGT-3'
Protein context (NP_004275.4, residues 539-559): ESILGETKDG[Gln549=]WVSDALPAAE

ClinVar aggregate classification (germline): Likely benign (0 of 4 stars; one submission).

Conditions:
CHD1L-related disorder. Also called: CHD1L-related condition.

Allele frequency attached by ClinVar (database versions not stated): gnomAD 0.00003; gnomAD exomes 0.00008; ExAC 0.00010; TOPMed 0.00011; ESP Exome Variant Server 0.00015.
gnomAD v4.1: 121 of 1,613,442 alleles (0.0075%); highest among the groups gnomAD compares: Admixed American, 0.018%; no homozygotes.

Submission:

PreventionGenetics, part of Exact Sciences
Classification: Likely benign for CHD1L-related condition. Last evaluated: 2019-05-06. Review status: no assertion criteria provided. Collection method: clinical testing. Allele origin: germline.
Comment: This variant is classified as likely benign based on ACMG/AMP sequence variant interpretation guidelines (Richards et al. 2015 PMID: 25741868, with internal and published modifications).